The following is an entry in ClinVar:

ClinVar aggregate classification (germline): Uncertain significance. Review status: criteria provided, multiple submitters, no conflicts (2 of 4 stars). 2 submissions from 2 submitters: Uncertain significance (2). Last evaluated 2025-07-24.

gnomAD v4.1: 121 of 1,528,954 alleles (0.0079%); highest among the groups gnomAD compares: African/African-American, 0.056%; no homozygotes.

Submissions (2):

Dasa
Classification: Uncertain significance. Last evaluated: 2025-07-24. Review status: criteria provided, single submitter. Criteria: DASA Assertion Criteria. Collection method: clinical testing. Allele origin: germline.
Comment: NM_015656.2(KIF26A):c.5452C>T (p.Arg1818Cys) is a missense variant that results in the substitution of arginine with cysteine. This variant is rare in population databases. The currently available literature and clinical evidence are not sufficient to establish a definitive association between this variant and the reported condition. Therefore, this variant is classified as a variant of uncertain significance.

Ambry Genetics
Classification: Uncertain significance. Last evaluated: 2025-03-06. Review status: criteria provided, single submitter. Criteria: Ambry Variant Classification Scheme 2023. Collection method: clinical testing. Allele origin: germline.

NM_015656.2(KIF26A):c.5452C>T (p.Arg1818Cys)

Gene: KIF26A (kinesin family member 26A; plus strand). Cytogenetic location: 14q32.33.
Variant type: single nucleotide variant.
Coding change: c.5452C>T on transcript NM_015656.2 (MANE Select); coding-DNA position 5452, C replaced by T.
Protein change: p.Arg1818Cys; replaces arginine 1818 with cysteine.
Molecular consequence: missense variant.
Genome position (GRCh38, 1-based): chr14:104,179,371, C>T. VCF-style: chr14-104179371-C-T. GRCh37 (hg19) VCF-style: chr14-104645708-C-T.
Other names: short protein forms R1818C.
Identifiers: ClinVar variation 3864236 (VCV003864236.3).